The following is an entry in ClinVar:

ClinVar aggregate classification (germline): Likely benign (0 of 4 stars; one submission).

Allele frequency attached by ClinVar (database versions not stated): TOPMed 0.00002.
gnomAD v4.1: 24 of 1,310,072 alleles (0.0018%); highest among the groups gnomAD compares: Non-Finnish European, 0.0022%; no homozygotes.

Submission:

Leiden Open Variation Database
Classification: Likely benign. Last evaluated: 2012-08-31. Review status: no assertion criteria provided. Collection method: curation. Allele origin: germline. Affected: yes.
Comment: Curator: Arleen D. Auerbach. Submitter to LOVD: Janine Bakker.

Literature cited by the submitters: PubMed 22911665.

NM_032444.4(SLX4):c.1925-106T>G

Gene: SLX4 (SLX4 structure-specific endonuclease subunit; minus strand). Cytogenetic location: 16p13.3.
Variant type: single nucleotide variant.
Coding change: c.1925-106T>G on transcript NM_032444.4 (MANE Select); 106 bases into the intron before coding-DNA position 1925, T replaced by G.
Molecular consequence: intron variant.
Genome position (GRCh38, 1-based): chr16:3,595,799, A>C on the plus strand (T>G on the coding strand, the complement: SLX4 is on the minus strand). VCF-style: chr16-3595799-A-C. GRCh37 (hg19) VCF-style: chr16-3645800-A-C.
Identifiers: ClinVar variation 929626 (VCV000929626.1), dbSNP rs1309802144, ClinGen allele CA720541516.
Genomic context (GRCh38, chr16:3,595,799, plus strand): 5'-CATCCACCACCAAGAAGACAGCGTTGACCACAGGCTGAGCCAGCCCCTGCGGTGCCTCGG[A>C]AGGTGCTTGCTATCCGAGGACACCTTCATGCAAAGCAAACCCGCACACCCTGTCTCACCA-3'